The following is an entry in ClinVar:

NM_001267550.2(TTN):c.49658G>A (p.Trp16553Ter)

Genes: TTN (titin; minus strand), TTN-AS1 (TTN antisense RNA 1; plus strand). Cytogenetic location: 2q31.2.
Variant type: single nucleotide variant.
Coding change: c.49658G>A on transcript NM_001267550.2 (MANE Select); coding-DNA position 49658, G replaced by A.
Protein change: p.Trp16553Ter; replaces tryptophan 16553 with a stop codon.
Molecular consequence: nonsense.
Genome position (GRCh38, 1-based): chr2:178,613,063, C>T on the plus strand (G>A on the coding strand, the complement: TTN is on the minus strand). VCF-style: chr2-178613063-C-T. GRCh37 (hg19) VCF-style: chr2-179477790-C-T.
Other names: c.44735G>A, p.Trp14912Ter (NM_001256850.1); c.22463G>A, p.Trp7488Ter (NM_003319.4); c.41954G>A, p.Trp13985Ter (NM_133378.4); c.22838G>A, p.Trp7613Ter (NM_133432.3); c.23039G>A, p.Trp7680Ter (NM_133437.4); short protein forms W13985*, W16553*, W7680*, W14912*, W7488*, W7613*.
Identifiers: ClinVar variation 1788342 (VCV001788342.2), dbSNP rs1576441321, ClinGen allele CA349601597.

ClinVar aggregate classification (germline): Likely pathogenic (1 of 4 stars; one submission).

Conditions:
Cardiovascular phenotype. Identifiers: MedGen CN230736.

Submission:

Ambry Genetics
Classification: Likely pathogenic for Cardiovascular phenotype. Last evaluated: 2021-04-27. Review status: criteria provided, single submitter. Criteria: Ambry Variant Classification Scheme 2023. Collection method: clinical testing. Allele origin: germline.
Comment: The p.W7488* variant (also known as c.22463G>A), located in coding exon 92 of the TTN gene, results from a G to A substitution at nucleotide position 22463. This changes the amino acid from a tryptophan to a stop codon within coding exon 92. This exon is located in the A-band region of the N2-B isoform of the titin protein and is constitutively expressed in TTN transcripts (percent spliced in or PSI 100%). This alteration is expected to result in loss of function by premature protein truncation or nonsense-mediated mRNA decay. While truncating variants in TTN are present in 1-3% of the general population, truncating variants in the A-band are the most common cause of dilated cardiomyopathy (DCM) (Herman DS et al. N. Engl. J. Med., 2012 Feb;366:619-28; Roberts AM et al. Sci Transl Med, 2015 Jan;7:270ra6). TTN truncating variants encoded in constitutive exons (PSI >90%) have been found to be significantly associated with DCM regardless of their position in titin (Schafer S et al. Nat. Genet., 2017 01;49:46-53). As such, this alteration is classified as likely pathogenic.